The following is an entry in ClinVar:

ClinVar aggregate classification (germline): Uncertain significance (1 of 4 stars; one submission).

Submission:

Labcorp Genetics (formerly Invitae), Labcorp
Classification: Uncertain significance. Last evaluated: 2023-01-05. Review status: criteria provided, single submitter. Criteria: Invitae Variant Classification Sherloc (09022015). Collection method: clinical testing. Allele origin: germline.
Comment: In summary, the available evidence is currently insufficient to determine the role of this variant in disease. Therefore, it has been classified as a Variant of Uncertain Significance. Algorithms developed to predict the effect of missense changes on protein structure and function (SIFT, PolyPhen-2, Align-GVGD) all suggest that this variant is likely to be tolerated. This variant has not been reported in the literature in individuals affected with MTOR-related conditions. This variant is not present in population databases (gnomAD no frequency). This sequence change replaces isoleucine, which is neutral and non-polar, with methionine, which is neutral and non-polar, at codon 2479 of the MTOR protein (p.Ile2479Met).

NM_004958.4(MTOR):c.7437T>G (p.Ile2479Met)

Gene: MTOR (mechanistic target of rapamycin kinase; minus strand). Cytogenetic location: 1p36.22.
Variant type: single nucleotide variant.
Coding change: c.7437T>G on transcript NM_004958.4 (MANE Select); coding-DNA position 7437, T replaced by G.
Protein change: p.Ile2479Met; replaces isoleucine 2479 with methionine.
Molecular consequence: missense variant.
Genome position (GRCh38, 1-based): chr1:11,109,659, A>C on the plus strand (T>G on the coding strand, the complement: MTOR is on the minus strand). VCF-style: chr1-11109659-A-C. GRCh37 (hg19) VCF-style: chr1-11169716-A-C.
Other names: c.7437T>G, p.Ile2479Met (NM_001386500.1); c.6189T>G, p.Ile2063Met (NM_001386501.1); short protein forms I2063M, I2479M.
Identifiers: ClinVar variation 2826242 (VCV002826242.3), dbSNP rs2522011232, ClinGen allele CA338378896.
Genomic context (GRCh38, chr1:11,109,659, plus strand): 5'-TTTTCTTAATGAGCTAGTCACTGGTGCGGTTCCTCAGAGGCTGAACTTACTGAAAGAATG[A>C]ATAGATTCTGGCACTGTGGTCCCCGTTTTCTTATGGGCTGGCTCTCCAAGTTCCACACCG-3'
Protein context (NP_004949.1, residues 2469-2489): KKTGTTVPES[Ile2479Met]HSFIGDGLVK